The following is an entry in ClinVar:

ClinVar aggregate classification (germline): Uncertain significance (1 of 4 stars; one submission).

Conditions:
Hypotonia, ataxia, and delayed development syndrome (HADDS). Also called: EBF3 Neurodevelopmental Disorder. Identifiers: Orphanet 658843, MedGen C4310618, MONDO:0015021, OMIM 617330.

Submission:

Dasa
Classification: Uncertain significance for Hypotonia, ataxia, and delayed development syndrome. Last evaluated: 2025-10-17. Review status: criteria provided, single submitter. Criteria: DASA Assertion Criteria. Collection method: clinical testing. Allele origin: germline.
Comment: NM_001375380.1(EBF3):c.611A>G (p.Asn204Ser) is a missense variant that results in the substitution of asparagine with serine. The affected residue or protein region has prior evidence supporting clinical relevance. This variant is absent from population databases. The currently available literature and clinical evidence are not sufficient to establish a definitive association between this variant and the reported condition. Therefore, this variant is classified as a variant of uncertain significance.

NM_001375380.1(EBF3):c.611A>G (p.Asn204Ser)

Gene: EBF3 (EBF transcription factor 3; minus strand). Cytogenetic location: 10q26.3.
Variant type: single nucleotide variant.
Coding change: c.611A>G on transcript NM_001375380.1 (MANE Select); coding-DNA position 611, A replaced by G.
Protein change: p.Asn204Ser; replaces asparagine 204 with serine.
Molecular consequence: missense variant.
Genome position (GRCh38, 1-based): chr10:129,877,793, T>C on the plus strand (A>G on the coding strand, the complement: EBF3 is on the minus strand). VCF-style: chr10-129877793-T-C. GRCh37 (hg19) VCF-style: chr10-131676057-T-C.
Other names: c.611A>G, p.Asn204Ser (NM_001005463.3, NM_001375379.1, NM_001375389.1 and 3 more transcripts); short protein forms N204S.
Identifiers: ClinVar variation 4882512 (VCV004882512.2).
Genomic context (GRCh38, chr10:129,877,793, plus strand): 5'-GGACCACGGTCCACGTGTCTTTGAGAAATGTATACCTGGAATCTCCGCATATCTCGAGGG[T>C]TGCCTGCATTCTTCAAACAGTTCTGATTGCACTTGAGGAAAAACTTTAGAAAGAATCTAT-3'
Protein context (NP_001362309.1, residues 194-214): CNQNCLKNAG[Asn204Ser]PRDMRRFQVV